The following is an entry in ClinVar:

ClinVar aggregate classification (germline): Uncertain significance (1 of 4 stars; one submission).

Submission:

GeneDx
Classification: Uncertain significance. Last evaluated: 2025-04-10. Review status: criteria provided, single submitter. Criteria: GeneDx Variant Classification Process June 2021. Collection method: clinical testing. Allele origin: germline. Affected: yes.
Comment: Not observed at significant frequency in large population cohorts (gnomAD); In silico analysis supports that this missense variant has a deleterious effect on protein structure/function; Has not been previously published as pathogenic or benign to our knowledge

NM_001040142.2(SCN2A):c.3906C>G (p.Ile1302Met)

Gene: SCN2A (sodium voltage-gated channel alpha subunit 2; plus strand). Cytogenetic location: 2q24.3.
Variant type: single nucleotide variant.
Coding change: c.3906C>G on transcript NM_001040142.2 (MANE Select); coding-DNA position 3906, C replaced by G.
Protein change: p.Ile1302Met; replaces isoleucine 1302 with methionine.
Molecular consequence: missense variant.
Genome position (GRCh38, 1-based): chr2:165,373,281, C>G. VCF-style: chr2-165373281-C-G. GRCh37 (hg19) VCF-style: chr2-166229791-C-G.
Other names: c.3906C>G, p.Ile1302Met (NM_021007.3, NM_001040143.2, NM_001371246.1 and 1 more transcripts); short protein forms I1302M.
Identifiers: ClinVar variation 4282127 (VCV004282127.1).